The following is an entry in ClinVar:

NM_005883.3(APC2):c.4622G>A (p.Arg1541His)

Gene: APC2 (APC regulator of Wnt signaling pathway 2; plus strand). Cytogenetic location: 19p13.3.
Variant type: single nucleotide variant.
Coding change: c.4622G>A on transcript NM_005883.3 (MANE Select); coding-DNA position 4622, G replaced by A.
Protein change: p.Arg1541His; replaces arginine 1541 with histidine.
Molecular consequence: missense variant.
Genome position (GRCh38, 1-based): chr19:1,467,923, G>A. VCF-style: chr19-1467923-G-A. GRCh37 (hg19) VCF-style: chr19-1467922-G-A.
Other names: c.4619G>A, p.Arg1540His (NM_001351273.1); short protein forms R1541H, R1540H.
Identifiers: ClinVar variation 2189471 (VCV002189471.4), dbSNP rs372771230, ClinGen allele CA9045870.
Genomic context (GRCh38, chr19:1,467,923, plus strand): 5'-CCGCGCCCACGCCAACCCACCGGCGCACATCGGCCATCCCTCGCGCTTTTACGCGGGAGC[G>A]TCCGCAGGGCCGGAAGGAGGCCCCTGCCCCGTCCAAGGCTGCACCAGCTGCCCCGCCGCC-3'
Protein context (NP_005874.1, residues 1531-1551): SAIPRAFTRE[Arg1541His]PQGRKEAPAP

ClinVar aggregate classification (germline): Uncertain significance (1 of 4 stars; one submission).

Allele frequency attached by ClinVar (database versions not stated): gnomAD exomes below 0.00001; gnomAD 0.00002; TOPMed 0.00002; ExAC 0.00004; ESP Exome Variant Server 0.00008.
gnomAD v4.1: 7 of 1,584,870 alleles (0.00044%); highest among the groups gnomAD compares: African/African-American, 0.0055%; no homozygotes.

Submission:

Labcorp Genetics (formerly Invitae), Labcorp
Classification: Uncertain significance. Last evaluated: 2025-10-01. Review status: criteria provided, single submitter. Criteria: Invitae Variant Classification Sherloc (09022015). Collection method: clinical testing. Allele origin: germline.
Comment: This sequence change replaces arginine, which is basic and polar, with histidine, which is basic and polar, at codon 1541 of the APC2 protein (p.Arg1541His). This variant is present in population databases (rs372771230, gnomAD 0.01%). This variant has not been reported in the literature in individuals affected with APC2-related conditions. ClinVar contains an entry for this variant (Variation ID: 2189471). Invitae Evidence Modeling of protein sequence and biophysical properties (such as structural, functional, and spatial information, amino acid conservation, physicochemical variation, residue mobility, and thermodynamic stability) indicates that this missense variant is not expected to disrupt APC2 protein function with a negative predictive value of 80%. In summary, the available evidence is currently insufficient to determine the role of this variant in disease. Therefore, it has been classified as a Variant of Uncertain Significance.